The following is an entry in ClinVar:

NM_014874.4(MFN2):c.1525G>T (p.Val509Leu)

Gene: MFN2 (mitofusin 2; plus strand). Cytogenetic location: 1p36.22.
Variant type: single nucleotide variant.
Coding change: c.1525G>T on transcript NM_014874.4 (MANE Select); coding-DNA position 1525, G replaced by T.
Protein change: p.Val509Leu; replaces valine 509 with leucine.
Molecular consequence: missense variant.
Genome position (GRCh38, 1-based): chr1:12,005,740, G>T. VCF-style: chr1-12005740-G-T. GRCh37 (hg19) VCF-style: chr1-12065797-G-T.
Other names: c.1525G>T, p.Val509Leu (NM_001127660.2); short protein forms V509L.
Identifiers: ClinVar variation 1034622 (VCV001034622.10), dbSNP rs945014959, ClinGen allele CA18012193.

ClinVar aggregate classification (germline): Uncertain significance. Review status: criteria provided, multiple submitters, no conflicts (2 of 4 stars). 2 submissions from 2 submitters: Uncertain significance (2). Last evaluated 2024-12-15.

Conditions:
Charcot-Marie-Tooth disease type 2. Also called: Charcot-Marie-Tooth type 2. Identifiers: Orphanet 64746, MedGen C0270914, MONDO:0018993.

gnomAD v4.1: 1 of 1,614,192 alleles (0.000062%); highest among the groups gnomAD compares: Non-Finnish European, 0.000085%; no homozygotes.

Submissions (2):

Labcorp Genetics (formerly Invitae), Labcorp
Classification: Uncertain significance for Charcot-Marie-Tooth disease type 2. Last evaluated: 2024-12-15. Review status: criteria provided, single submitter. Criteria: Invitae Variant Classification Sherloc (09022015). Collection method: clinical testing. Allele origin: germline.
Comment: This sequence change replaces valine, which is neutral and non-polar, with leucine, which is neutral and non-polar, at codon 509 of the MFN2 protein (p.Val509Leu). This variant is not present in population databases (gnomAD no frequency). This missense change has been observed in individuals with clinical features of Charcot-Marie-Tooth disease (PMID: 24863639, 34190362; internal data). ClinVar contains an entry for this variant (Variation ID: 1034622). Invitae Evidence Modeling of protein sequence and biophysical properties (such as structural, functional, and spatial information, amino acid conservation, physicochemical variation, residue mobility, and thermodynamic stability) indicates that this missense variant is not expected to disrupt MFN2 protein function with a negative predictive value of 80%. In summary, the available evidence is currently insufficient to determine the role of this variant in disease. Therefore, it has been classified as a Variant of Uncertain Significance.

Greenwood Genetic Center Diagnostic Laboratories, Greenwood Genetic Center
Classification: Uncertain significance. Last evaluated: 2021-07-21. Review status: criteria provided, single submitter. Criteria: ACMG Guidelines, 2015. Collection method: clinical testing. Allele origin: germline. Affected: yes.
Comment: BP4, PM2

Literature cited by the submitters: PubMed 24863639 (cited by Labcorp Genetics (formerly Invitae), Labcorp); PubMed 34190362 (cited by Labcorp Genetics (formerly Invitae), Labcorp).